The following is an entry in ClinVar:

NM_000384.3(APOB):c.12656T>A (p.Met4219Lys)

Gene: APOB (apolipoprotein B; minus strand). Cytogenetic location: 2p24.1.
Variant type: single nucleotide variant.
Coding change: c.12656T>A on transcript NM_000384.3 (MANE Select); coding-DNA position 12656, T replaced by A.
Protein change: p.Met4219Lys; replaces methionine 4219 with lysine.
Molecular consequence: missense variant.
Genome position (GRCh38, 1-based): chr2:21,002,766, A>T on the plus strand (T>A on the coding strand, the complement: APOB is on the minus strand). VCF-style: chr2-21002766-A-T. GRCh37 (hg19) VCF-style: chr2-21225638-A-T.
Other names: short protein forms M4219K.
Identifiers: ClinVar variation 4824441 (VCV004824441.1).
Genomic context (GRCh38, chr2:21,002,766, plus strand): 5'-GAACCATTATGGACTTTCGAATATACCTGGGACAGTACCGTCCCTACCTCCCTTATGAAC[A>T]TAGTGCAAAGTTCCTCCCTAGTGTATATCCCAGGTTTCCCCGGAAACTGGAATCTGGGGA-3'
Protein context (NP_000375.3, residues 4209-4229): GIYTREELCT[Met4219Lys]FIREVGTVLS

ClinVar aggregate classification (germline): Uncertain significance (1 of 4 stars; one submission).

Conditions:
Cardiovascular phenotype. Identifiers: MedGen CN230736.

Submission:

Ambry Genetics
Classification: Uncertain significance for Cardiovascular phenotype. Last evaluated: 2026-02-19. Review status: criteria provided, single submitter. Criteria: Ambry Variant Classification Scheme 2023. Collection method: clinical testing. Allele origin: germline.
Comment: The p.M4219K variant (also known as c.12656T>A), located in coding exon 29 of the APOB gene, results from a T to A substitution at nucleotide position 12656. The methionine at codon 4219 is replaced by lysine, an amino acid with similar properties. This amino acid position is conserved. In addition, this alteration is predicted to be tolerated by in silico analysis. Based on the available evidence, the clinical significance of this variant remains unclear.